The following is an entry in ClinVar:

NM_000135.4(FANCA):c.3913C>T (p.Leu1305Phe)

Genes: FANCA (FA complementation group A; minus strand), ZNF276 (zinc finger protein 276; plus strand). Cytogenetic location: 16q24.3.
Variant type: single nucleotide variant.
Coding change: c.3913C>T on transcript NM_000135.4 (MANE Select); coding-DNA position 3913, C replaced by T.
Protein change: p.Leu1305Phe; replaces leucine 1305 with phenylalanine.
Molecular consequence: missense variant. On other transcripts: 3 prime UTR variant (2), non-coding transcript variant (4).
Genome position (GRCh38, 1-based): chr16:89,740,015, G>A on the plus strand (C>T on the coding strand, the complement: FANCA is on the minus strand). VCF-style: chr16-89740015-G-A. GRCh37 (hg19) VCF-style: chr16-89806423-G-A.
Other names: NM_000135.2:c.3913C>T; c.3913C>T, p.Leu1305Phe (NM_001286167.3); c.*1769G>A (NM_001113525.2, NM_152287.4); c.3913C>T (NM_000135.3); short protein forms L1305F.
Identifiers: ClinVar variation 556224 (VCV000556224.26), dbSNP rs753700179, ClinGen allele CA8250914.

ClinVar aggregate classification (germline): Pathogenic/Likely pathogenic. Review status: criteria provided, multiple submitters, no conflicts (2 of 4 stars). 9 submissions from 9 submitters: Pathogenic (5); Likely pathogenic (1). 3 of the submissions do not count toward it. Last evaluated 2025-07-25.

Conditions:
FANCA-related disorders.
Fanconi anemia (FA). Also called: Fanconi's anemia. Identifiers: Orphanet 84, MedGen C0015625, MeSH D005199, MONDO:0019391.
Fanconi anemia complementation group A (FANCA). Also called: Fanconi anemia, group A; FANCA-Related Fanconi Anemia. Identifiers: Orphanet 84, MedGen C3469521, MONDO:0009215, OMIM 227650.

Allele frequency attached by ClinVar (database versions not stated): gnomAD 0.00001; gnomAD exomes 0.00001; TOPMed 0.00001; ExAC 0.00002.
gnomAD v4.1: 6 of 1,614,074 alleles (0.00037%); highest among the groups gnomAD compares: Admixed American, 0.0017%; no homozygotes.

Submissions (9):

Natera, Inc.
Classification: Pathogenic for Fanconi anemia. Last evaluated: 2025-07-25. Review status: criteria provided, single submitter. Criteria: Natera Variant Classification Schema (03/2026). Collection method: clinical testing. Allele origin: germline.
Comment: The c.3913C>T variant in FANCA is a missense variant predicted to cause substitution of leucine to phenylalanine at amino acid 1305. This variant is rare in the general population with a frequency below the threshold expected for the associated phenotype(s). This variant has been observed in one or more individuals affected with the associated recessive disease, as either homozygous or compound heterozygous with a second variant (PMID: 31586946). Given the available evidence, this variant is classified as Pathogenic.

Labcorp Genetics (formerly Invitae), Labcorp
Classification: Pathogenic for Fanconi anemia. Last evaluated: 2024-10-29. Review status: criteria provided, single submitter. Criteria: Invitae Variant Classification Sherloc (09022015). Collection method: clinical testing. Allele origin: germline.
Comment: This sequence change replaces leucine, which is neutral and non-polar, with phenylalanine, which is neutral and non-polar, at codon 1305 of the FANCA protein (p.Leu1305Phe). This variant is present in population databases (rs753700179, gnomAD 0.007%). This missense change has been observed in individual(s) with Fanconi anemia (PMID: 19278965, 21273304, 29098742, 29904161, 31586946). In at least one individual the data is consistent with being in trans (on the opposite chromosome) from a pathogenic variant. ClinVar contains an entry for this variant (Variation ID: 556224). Invitae Evidence Modeling of protein sequence and biophysical properties (such as structural, functional, and spatial information, amino acid conservation, physicochemical variation, residue mobility, and thermodynamic stability) indicates that this missense variant is expected to disrupt FANCA protein function with a positive predictive value of 95%. Experimental studies have shown that this missense change affects FANCA function (PMID: 31586946). For these reasons, this variant has been classified as Pathogenic.

Baylor Genetics
Classification: Pathogenic for Fanconi anemia complementation group A. Last evaluated: 2024-03-06. Review status: criteria provided, single submitter. Criteria: ACMG Guidelines, 2015. Collection method: clinical testing. Allele origin: unknown.

Women's Health and Genetics/Laboratory Corporation of America, LabCorp
Classification: Pathogenic for Fanconi anemia. Last evaluated: 2022-11-25. Review status: criteria provided, single submitter. Criteria: LabCorp Variant Classification Summary - May 2015. Collection method: clinical testing. Allele origin: germline.
Comment: Variant summary: FANCA c.3913C>T (p.Leu1305Phe) results in a non-conservative amino acid change in the encoded protein sequence. Four of five in-silico tools predict a damaging effect of the variant on protein function. The variant allele was found at a frequency of 1.2e-05 in 251474 control chromosomes (gnomAD). c.3913C>T has been reported in the literature as a biallelic genotype in individuals affected with Fanconi Anemia (e.g. Pinto_2009, Castella_2011, Bogliolo_2020). These data indicate that the variant is likely to be associated with disease. Experimental evidence evaluating the variants ability to rescue FANCD2 monoubiquitination and resistance to Mitomycin-C showed the variant had similar activity to a known null variant/negative control (Bogliolo_2020). Six ClinVar submitters have assessed the variant since 2014: three classified the variant as likely pathogenic and three as pathogenic. Based on the evidence outlined above, the variant was classified as pathogenic.

Blueprint Genetics
Classification: Pathogenic for FANCA-related disorders. Last evaluated: 2020-10-31. Review status: criteria provided, single submitter. Criteria: ACMG Guidelines, 2015. Collection method: clinical testing. Allele origin: germline. Affected: yes. Observed: 4 variant alleles.

Revvity Omics, Revvity
Classification: Likely pathogenic for Fanconi anemia complementation group A. Last evaluated: 2019-01-31. Review status: criteria provided, single submitter. Criteria: ACMG Guidelines, 2015. Collection method: clinical testing. Allele origin: germline.

OMIM
Classification: Pathogenic for FANCONI ANEMIA, COMPLEMENTATION GROUP A. Last evaluated: 2022-01-11. Review status: no assertion criteria provided. Collection method: literature only. Allele origin: germline. Not counted in ClinVar's aggregate classification.

Leiden Open Variation Database
Classification: Pathogenic for Fanconi anemia complementation group A. Last evaluated: 2020-02-28. Review status: no assertion criteria provided. Collection method: curation. Allele origin: germline. Affected: yes. Not counted in ClinVar's aggregate classification.
Comment: Curator: Arleen D. Auerbach. Submitter to LOVD: Arleen D. Auerbach.

Counsyl
Classification: Likely pathogenic for Fanconi anemia complementation group A. Last evaluated: 2018-01-23. Review status: no assertion criteria provided. Collection method: clinical testing. Allele origin: unknown. Not counted in ClinVar's aggregate classification.

Literature cited by the submitters: PubMed 31586946 (cited by 3 submitters); PubMed 19278965 (cited by 3 submitters); PubMed 21273304 (cited by 3 submitters); PubMed 29098742 (cited by Labcorp Genetics (formerly Invitae), Labcorp and Counsyl); PubMed 29904161 (cited by Labcorp Genetics (formerly Invitae), Labcorp and OMIM).